The following is an entry in ClinVar:

NM_000203.5(IDUA):c.1081G>A (p.Ala361Thr)

Gene: IDUA (alpha-L-iduronidase; plus strand). Cytogenetic location: 4p16.3.
Variant type: single nucleotide variant.
Coding change: c.1081G>A on transcript NM_000203.5 (MANE Select); coding-DNA position 1081, G replaced by A.
Protein change: p.Ala361Thr; replaces alanine 361 with threonine.
Molecular consequence: missense variant. On other transcripts: non-coding transcript variant (1).
Genome position (GRCh38, 1-based): chr4:1,002,377, G>A. VCF-style: chr4-1002377-G-A. GRCh37 (hg19) VCF-style: chr4-996165-G-A.
Other names: NM_000203.5(IDUA):c.1081G>A; c.685G>A, p.Ala229Thr (NM_001363576.1); short protein forms A361T, A229T.
Identifiers: ClinVar variation 92624 (VCV000092624.46), dbSNP rs6831280, ClinGen allele CA145865.

ClinVar aggregate classification (germline): Benign. Review status: reviewed by expert panel (3 of 4 stars). 16 submissions from 16 submitters: Benign (1). 15 of the submissions do not count toward it. Last evaluated 2024-12-06.

Conditions:
IDUA-related disorder. Also called: IDUA-related condition.
Mucopolysaccharidosis type 1. Also called: Mucopolysaccharidosis Type I; IDUA deficiency; MPS I. Identifiers: Orphanet 579, MedGen C0023786, MONDO:0001586.
Hurler syndrome. Also called: MUCOPOLYSACCHARIDOSIS TYPE IH; Severe MPS I (Hurler Syndrome); Gargoylism, Hurler Syndrome. Identifiers: Orphanet 93473, MedGen C0086795, MONDO:0011758, OMIM 607014.

Allele frequency attached by ClinVar (database versions not stated): gnomAD 0.17147 and 0.16782; gnomAD exomes 0.17246; ESP Exome Variant Server 0.17247; 1000 Genomes Project 30x 0.21502; TOPMed 0.16844; ExAC 0.20557; 1000 Genomes Project 0.21765.
gnomAD v4.1: 260,513 of 1,611,054 alleles (16%); highest among the groups gnomAD compares: South Asian, 30%; 22,735 homozygotes.

Submissions (16):

ClinGen Lysosomal Storage Disorder Variant Curation Expert Panel
Classification: Benign for Mucopolysaccharidosis type 1. Last evaluated: 2024-12-06. Review status: reviewed by expert panel. Criteria: ClinGen LSD ACMG Specifications IDUA V1.0.0. Collection method: curation. Allele origin: germline. Inheritance: Autosomal recessive inheritance.
Comment: The NM_000203.5:c.1081G>A variant in IDUA is a missense variant predicted to cause substitution of alanine by threonine at amino acid 361 (p.Ala361Thr). The highest population minor allele frequency in gnomAD v4.1.0 is 0.2976 (27037/90842 alleles; 4256 homozygotes; Grpmax Filtering AF 95% confidence = 0.2947) in the South Asian population, which is higher than the ClinGen Lysosomal Diseases VCEP’s threshold for BA1 (>0.005), and therefore meets this criterion (BA1). There is a ClinVar entry for this variant (Variation ID: 92624). In summary, this variant meets the criteria to be classified as benign for mucopolysaccharidosis type 1. IDUA-specific ACMG-AMP criteria applied, as specified by the ClinGen Lysosomal Diseases Variant Curation Expert Panel (Specifications Version 1.0.0): BA1. (Classification approved by the ClinGen Lysosomal Diseases Variant Curation Expert Panel on December 6, 2024)

Labcorp Genetics (formerly Invitae), Labcorp
Classification: Benign for Mucopolysaccharidosis type 1. Last evaluated: 2026-02-04. Review status: criteria provided, single submitter. Criteria: Invitae Variant Classification Sherloc (09022015). Collection method: clinical testing. Allele origin: germline. Not counted in ClinVar's aggregate classification.

Blueprint Genetics
Classification: Benign. Last evaluated: 2024-11-26. Review status: criteria provided, single submitter. Criteria: ACMG Guidelines, 2015. Collection method: clinical testing. Allele origin: germline. Not counted in ClinVar's aggregate classification.

PreventionGenetics, part of Exact Sciences
Classification: Benign for IDUA-related condition. Last evaluated: 2024-11-13. Review status: criteria provided, single submitter. Criteria: ACMG Guidelines, 2015. Collection method: clinical testing. Allele origin: germline. Not counted in ClinVar's aggregate classification.
Comment: This variant is classified as benign based on ACMG/AMP sequence variant interpretation guidelines (Richards et al. 2015 PMID: 25741868, with internal and published modifications).

Pars Genome Lab
Classification: Benign for Hurler syndrome. Last evaluated: 2021-05-18. Review status: criteria provided, single submitter. Criteria: ACMG Guidelines, 2015. Collection method: clinical testing. Allele origin: germline. Affected: no. Not counted in ClinVar's aggregate classification.

GeneDx
Classification: Benign. Last evaluated: 2018-08-29. Review status: criteria provided, single submitter. Criteria: GeneDx Variant Classification Process June 2021. Collection method: clinical testing. Allele origin: germline. Affected: yes. Not counted in ClinVar's aggregate classification.
Comment: This variant is associated with the following publications: (PMID: 28649516, 29801497, 26256109, 27884173, 24875751)

Illumina Laboratory Services, Illumina
Classification: Benign for Mucopolysaccharidosis type 1. Last evaluated: 2018-01-12. Review status: criteria provided, single submitter. Criteria: ICSL Variant Classification Criteria 13 December 2019. Collection method: clinical testing. Allele origin: germline. Not counted in ClinVar's aggregate classification.
Comment: This variant was observed in the ICSL laboratory as part of a predisposition screen in an ostensibly healthy population. It had not been previously curated by ICSL or reported in the Human Gene Mutation Database (HGMD: prior to June 1st, 2018), and was therefore a candidate for classification through an automated scoring system. Utilizing variant allele frequency, disease prevalence and penetrance estimates, and inheritance mode, an automated score was calculated to assess if this variant is too frequent to cause the disease. Based on the score and internal cut-off values, a variant classified as benign is not then subjected to further curation. The score for this variant resulted in a classification of benign for this disease.

Eurofins Ntd Llc (ga)
Classification: Benign. Last evaluated: 2017-11-02. Review status: criteria provided, single submitter. Criteria: EGL Classification Definitions 2015. Collection method: clinical testing. Allele origin: germline. Observed: 38 variant alleles, 33 heterozygotes, 5 homozygotes. Not counted in ClinVar's aggregate classification.

Breakthrough Genomics
Classification: Benign. Review status: criteria provided, single submitter. Criteria: ACMG Guidelines, 2015. Collection method: not provided. Allele origin: germline. Inheritance: Autosomal recessive inheritance. Affected: yes. Not counted in ClinVar's aggregate classification.

Natera, Inc.
Classification: Benign for Mucopolysaccharidosis type I. Last evaluated: 2017-03-29. Review status: no assertion criteria provided. Collection method: clinical testing. Allele origin: germline. Not counted in ClinVar's aggregate classification.

Mayo Clinic Laboratories, Mayo Clinic
Classification: Benign. Last evaluated: 2016-01-29. Review status: no assertion criteria provided. Collection method: clinical testing. Allele origin: unknown. Not counted in ClinVar's aggregate classification.

Clinical Genetics DNA and cytogenetics Diagnostics Lab, Erasmus MC, Erasmus Medical Center
Classification: Benign. Review status: no assertion criteria provided. Collection method: clinical testing. Allele origin: germline. Affected: yes. Study: VKGL Data-share Consensus. Not counted in ClinVar's aggregate classification.

Clinical Genetics, Academic Medical Center
Classification: Benign. Review status: no assertion criteria provided. Collection method: clinical testing. Allele origin: germline. Affected: yes. Study: VKGL Data-share Consensus. Not counted in ClinVar's aggregate classification.

Diagnostic Laboratory, Department of Genetics, University Medical Center Groningen
Classification: Benign. Review status: no assertion criteria provided. Collection method: clinical testing. Allele origin: germline. Affected: yes. Study: VKGL Data-share Consensus. Not counted in ClinVar's aggregate classification.

GeneReviews
No classification provided. Condition: Mucopolysaccharidosis type 1. Review status: no classification provided. Collection method: literature only. Allele origin: germline. Not counted in ClinVar's aggregate classification.
Comment: Pseudodeficiency variants

Genome Diagnostics Laboratory, University Medical Center Utrecht
Classification: Benign. Review status: no assertion criteria provided. Collection method: clinical testing. Allele origin: germline. Affected: yes. Study: VKGL Data-share Consensus. Not counted in ClinVar's aggregate classification.

Literature cited by the submitters: NCBI Bookshelf NBK1162 (cited by GeneReviews).